The following is an entry in ClinVar:

NM_032043.3(BRIP1):c.1676C>A (p.Thr559Lys)

Gene: BRIP1 (BRCA1 interacting DNA helicase 1; minus strand). Cytogenetic location: 17q23.2.
Variant type: single nucleotide variant.
Coding change: c.1676C>A on transcript NM_032043.3 (MANE Select); coding-DNA position 1676, C replaced by A.
Protein change: p.Thr559Lys; replaces threonine 559 with lysine.
Molecular consequence: missense variant.
Genome position (GRCh38, 1-based): chr17:61,780,958, G>T on the plus strand (C>A on the coding strand, the complement: BRIP1 is on the minus strand). VCF-style: chr17-61780958-G-T. GRCh37 (hg19) VCF-style: chr17-59858319-G-T.
Other names: short protein forms T559K.
Identifiers: ClinVar variation 1777795 (VCV001777795.2), dbSNP rs876658266, ClinGen allele CA400480489.

ClinVar aggregate classification (germline): Uncertain significance (1 of 4 stars; one submission).

Conditions:
Hereditary cancer-predisposing syndrome. Also called: Neoplastic Syndromes, Hereditary; Tumor predisposition; Hereditary Cancer Syndrome; Hereditary neoplastic syndrome. Identifiers: Orphanet 140162, MedGen C0027672, MeSH D009386, MONDO:0015356.

Submission:

Ambry Genetics
Classification: Uncertain significance for Hereditary cancer-predisposing syndrome. Last evaluated: 2022-05-05. Review status: criteria provided, single submitter. Criteria: Ambry Variant Classification Scheme 2023. Collection method: clinical testing. Allele origin: germline.
Comment: The p.T559K variant (also known as c.1676C>A), located in coding exon 11 of the BRIP1 gene, results from a C to A substitution at nucleotide position 1676. The threonine at codon 559 is replaced by lysine, an amino acid with similar properties. This amino acid position is conserved. In addition, this alteration is predicted to be tolerated by in silico analysis. Since supporting evidence is limited at this time, the clinical significance of this alteration remains unclear.